The following is an entry in ClinVar:

NM_006231.4(POLE):c.4659C>G (p.Phe1553Leu)

Gene: POLE (DNA polymerase epsilon, catalytic subunit; minus strand). Cytogenetic location: 12q24.33.
Variant type: single nucleotide variant.
Coding change: c.4659C>G on transcript NM_006231.4 (MANE Select); coding-DNA position 4659, C replaced by G.
Protein change: p.Phe1553Leu; replaces phenylalanine 1553 with leucine.
Molecular consequence: missense variant.
Genome position (GRCh38, 1-based): chr12:132,642,889, G>C on the plus strand (C>G on the coding strand, the complement: POLE is on the minus strand). VCF-style: chr12-132642889-G-C. GRCh37 (hg19) VCF-style: chr12-133219475-G-C.
Other names: short protein forms F1553L.
Identifiers: ClinVar variation 1002467 (VCV001002467.10), dbSNP rs767021717, ClinGen allele CA387378952.

ClinVar aggregate classification (germline): Uncertain significance (1 of 4 stars; one submission).

Submission:

Labcorp Genetics (formerly Invitae), Labcorp
Classification: Uncertain significance. Last evaluated: 2022-10-05. Review status: criteria provided, single submitter. Criteria: Invitae Variant Classification Sherloc (09022015). Collection method: clinical testing. Allele origin: germline.
Comment: Advanced modeling of protein sequence and biophysical properties (such as structural, functional, and spatial information, amino acid conservation, physicochemical variation, residue mobility, and thermodynamic stability) has been performed at Invitae for this missense variant, however the output from this modeling did not meet the statistical confidence thresholds required to predict the impact of this variant on POLE protein function. In summary, the available evidence is currently insufficient to determine the role of this variant in disease. Therefore, it has been classified as a Variant of Uncertain Significance. ClinVar contains an entry for this variant (Variation ID: 1002467). This variant has not been reported in the literature in individuals affected with POLE-related conditions. This variant is not present in population databases (gnomAD no frequency). This sequence change replaces phenylalanine, which is neutral and non-polar, with leucine, which is neutral and non-polar, at codon 1553 of the POLE protein (p.Phe1553Leu).